The following is an entry in ClinVar:

ClinVar aggregate classification (germline): Uncertain significance (1 of 4 stars; one submission).

Conditions:
Neuronopathy, distal hereditary motor, type 7A. Also called: SPINAL MUSCULAR ATROPHY, DISTAL, WITH VOCAL CORD PARALYSIS; HARPER-YOUNG MYOPATHY; HMN VIIA; Neuronopathy, distal hereditary motor, type viia; NEURONOPATHY, DISTAL HEREDITARY MOTOR, HARDING TYPE VIIA; NEUROPATHY, DISTAL HEREDITARY MOTOR, HARDING TYPE VIIA. Identifiers: Orphanet 139589, MedGen C1834703, MONDO:0008024, OMIM 158580.
Congenital myasthenic syndrome 20. Also called: Myasthenic syndrome, congenital, 20, presynaptic. Identifiers: MedGen C4310694, MONDO:0014939, OMIM 617143.

Allele frequency attached by ClinVar (database versions not stated): gnomAD exomes below 0.00001 and 0.00001.

Submission:

Labcorp Genetics (formerly Invitae), Labcorp
Classification: Uncertain significance for Neuronopathy, distal hereditary motor, type 7A; Congenital myasthenic syndrome 20. Last evaluated: 2020-10-06. Review status: criteria provided, single submitter. Criteria: Invitae Variant Classification Sherloc (09022015). Collection method: clinical testing. Allele origin: germline.
Comment: In summary, the available evidence is currently insufficient to determine the role of this variant in disease. Therefore, it has been classified as a Variant of Uncertain Significance. Algorithms developed to predict the effect of missense changes on protein structure and function (SIFT, PolyPhen-2, Align-GVGD) all suggest that this variant is likely to be tolerated, but these predictions have not been confirmed by published functional studies and their clinical significance is uncertain. This variant has not been reported in the literature in individuals with SLC5A7-related conditions. This variant is not present in population databases (ExAC no frequency). This sequence change replaces histidine with aspartic acid at codon 4 of the SLC5A7 protein (p.His4Asp). The histidine residue is moderately conserved and there is a moderate physicochemical difference between histidine and aspartic acid.

NM_021815.5(SLC5A7):c.10C>G (p.His4Asp)

Gene: SLC5A7 (solute carrier family 5 member 7; plus strand). Cytogenetic location: 2q12.3.
Variant type: single nucleotide variant.
Coding change: c.10C>G on transcript NM_021815.5 (MANE Select); coding-DNA position 10, C replaced by G.
Protein change: p.His4Asp; replaces histidine 4 with aspartic acid.
Molecular consequence: missense variant. On other transcripts: 5 prime UTR variant (1), intron variant (1).
Genome position (GRCh38, 1-based): chr2:107,988,165, C>G. VCF-style: chr2-107988165-C-G. GRCh37 (hg19) VCF-style: chr2-108604621-C-G.
Other names: c.10C>G, p.His4Asp (NM_001305005.3); c.-695C>G (NM_001305007.3); c.-138+1402C>G (NM_001305006.3); short protein forms H4D.
Identifiers: ClinVar variation 1007426 (VCV001007426.5), dbSNP rs1206415590, ClinGen allele CA348019393.